The following is an entry in ClinVar:

NM_198503.5(KCNT2):c.2596A>G (p.Lys866Glu)

Gene: KCNT2 (potassium sodium-activated channel subfamily T member 2; minus strand). Cytogenetic location: 1q31.3.
Variant type: single nucleotide variant.
Coding change: c.2596A>G on transcript NM_198503.5 (MANE Select); coding-DNA position 2596, A replaced by G.
Protein change: p.Lys866Glu; replaces lysine 866 with glutamic acid.
Molecular consequence: missense variant. On other transcripts: non-coding transcript variant (2).
Genome position (GRCh38, 1-based): chr1:196,285,758, T>C on the plus strand (A>G on the coding strand, the complement: KCNT2 is on the minus strand). VCF-style: chr1-196285758-T-C. GRCh37 (hg19) VCF-style: chr1-196254888-T-C.
Other names: c.2524A>G, p.Lys842Glu (NM_001287819.3); c.2374A>G, p.Lys792Glu (NM_001287820.3); short protein forms K792E, K842E, K866E.
Identifiers: ClinVar variation 4077256 (VCV004077256.1).

ClinVar aggregate classification (germline): Uncertain significance (1 of 4 stars; one submission).

Submission:

GeneDx
Classification: Uncertain significance. Last evaluated: 2025-02-22. Review status: criteria provided, single submitter. Criteria: GeneDx Variant Classification Process June 2021. Collection method: clinical testing. Allele origin: germline. Affected: yes.
Comment: Not observed at significant frequency in large population cohorts (gnomAD); In silico analysis indicates that this missense variant does not alter protein structure/function; Has not been previously published as pathogenic or benign to our knowledge